The following is an entry in ClinVar:

ClinVar aggregate classification (germline): Uncertain significance. Review status: criteria provided, multiple submitters, no conflicts (2 of 4 stars). 2 submissions from 2 submitters: Uncertain significance (2). Last evaluated 2023-12-27.

Conditions:
Myoglobinuria, acute recurrent, autosomal recessive. Also called: MYOGLOBINURIA, FAMILIAL PAROXYSMAL PARALYTIC; RHABDOMYOLYSIS, ACUTE RECURRENT; Myoglobinuria, recurrent, autosomal recessive. Identifiers: Orphanet 99845, MedGen C1849386, MONDO:0009992, OMIM 268200.

Allele frequency attached by ClinVar (database versions not stated): ExAC 0.00005; gnomAD exomes 0.00005; gnomAD 0.00007; TOPMed 0.00007; 1000 Genomes Project 30x 0.00016; 1000 Genomes Project 0.00020.

Submissions (2):

Fulgent Genetics
Classification: Uncertain significance for Myoglobinuria, acute recurrent, autosomal recessive. Last evaluated: 2023-12-27. Review status: criteria provided, single submitter. Criteria: ACMG Guidelines, 2015. Collection method: clinical testing. Allele origin: germline.

Labcorp Genetics (formerly Invitae), Labcorp
Classification: Uncertain significance. Last evaluated: 2023-11-24. Review status: criteria provided, single submitter. Criteria: Invitae Variant Classification Sherloc (09022015). Collection method: clinical testing. Allele origin: germline.
Comment: This sequence change replaces alanine, which is neutral and non-polar, with valine, which is neutral and non-polar, at codon 410 of the LPIN1 protein (p.Ala410Val). This variant is present in population databases (rs559066390, gnomAD 0.09%). This variant has not been reported in the literature in individuals affected with LPIN1-related conditions. Advanced modeling of protein sequence and biophysical properties (such as structural, functional, and spatial information, amino acid conservation, physicochemical variation, residue mobility, and thermodynamic stability) performed at Invitae indicates that this missense variant is not expected to disrupt LPIN1 protein function with a negative predictive value of 80%. In summary, the available evidence is currently insufficient to determine the role of this variant in disease. Therefore, it has been classified as a Variant of Uncertain Significance.

NM_001349206.2(LPIN1):c.1337C>T (p.Ala446Val)

Gene: LPIN1 (lipin 1; plus strand). Cytogenetic location: 2p25.1.
Variant type: single nucleotide variant.
Coding change: c.1337C>T on transcript NM_001349206.2 (MANE Select); coding-DNA position 1337, C replaced by T.
Protein change: p.Ala446Val; replaces alanine 446 with valine.
Molecular consequence: missense variant. On other transcripts: non-coding transcript variant (1).
Genome position (GRCh38, 1-based): chr2:11,783,901, C>T. VCF-style: chr2-11783901-C-T. GRCh37 (hg19) VCF-style: chr2-11924027-C-T.
Other names: c.1247C>T, p.Ala416Val (NM_001261427.3); c.1484C>T, p.Ala495Val (NM_001261428.3); c.1229C>T, p.Ala410Val (NM_001349199.2, NM_001349200.2, NM_001349201.2 and 1 more transcripts); c.1334C>T, p.Ala445Val (NM_001349202.2, NM_001349203.2); c.1337C>T, p.Ala446Val (NM_001349204.2, NM_001349205.2); c.1427C>T, p.Ala476Val (NM_001349207.2); c.1376C>T, p.Ala459Val (NM_001349208.2); short protein forms A495V, A410V, A446V, A459V, A416V, A445V, A476V.
Identifiers: ClinVar variation 2741583 (VCV002741583.2), dbSNP rs559066390, ClinGen allele CA1533671.